The following is an entry in ClinVar:

ClinVar aggregate classification (germline): Likely benign (0 of 4 stars; one submission).

Conditions:
NKAP-related disorder. Also called: NKAP-related condition.

Allele frequency attached by ClinVar (database versions not stated): gnomAD exomes below 0.00001; TOPMed 0.00002; gnomAD 0.00003; ExAC 0.00007; 1000 Genomes Project 30x 0.00042; 1000 Genomes Project 0.00053.

Submission:

PreventionGenetics, part of Exact Sciences
Classification: Likely benign for NKAP-related condition. Last evaluated: 2022-04-08. Review status: no assertion criteria provided. Collection method: clinical testing. Allele origin: germline.
Comment: This variant is classified as likely benign based on ACMG/AMP sequence variant interpretation guidelines (Richards et al. 2015 PMID: 25741868, with internal and published modifications).

NM_024528.4(NKAP):c.850G>T (p.Ala284Ser)

Gene: NKAP (NFKB activating protein; minus strand). Cytogenetic location: Xq24.
Variant type: single nucleotide variant.
Coding change: c.850G>T on transcript NM_024528.4 (MANE Select); coding-DNA position 850, G replaced by T.
Protein change: p.Ala284Ser; replaces alanine 284 with serine.
Molecular consequence: missense variant.
Genome position (GRCh38, 1-based): chrX:119,932,009, C>A on the plus strand (G>T on the coding strand, the complement: NKAP is on the minus strand). VCF-style: chrX-119932009-C-A. GRCh37 (hg19) VCF-style: chrX-119065972-C-A.
Other names: short protein forms A284S.
Identifiers: ClinVar variation 3033082 (VCV003033082.2), dbSNP rs773576924, ClinGen allele CA10503738.